The following is an entry in ClinVar:

NM_000051.4(ATM):c.1463G>C (p.Trp488Ser)

Gene: ATM (ATM serine/threonine kinase; plus strand). Cytogenetic location: 11q22.3.
Variant type: single nucleotide variant.
Coding change: c.1463G>C on transcript NM_000051.4 (MANE Select); coding-DNA position 1463, G replaced by C.
Protein change: p.Trp488Ser; replaces tryptophan 488 with serine.
Molecular consequence: missense variant.
Genome position (GRCh38, 1-based): chr11:108,250,928, G>C. VCF-style: chr11-108250928-G-C. GRCh37 (hg19) VCF-style: chr11-108121655-G-C.
Other names: c.1463G>C, p.Trp488Ser (NM_001351834.2); short protein forms W488S.
Identifiers: ClinVar variation 1773202 (VCV001773202.5), dbSNP rs879254093, ClinGen allele CA382534149.

ClinVar aggregate classification (germline): Uncertain significance. Review status: criteria provided, multiple submitters, no conflicts (2 of 4 stars). 2 submissions from 2 submitters: Uncertain significance (2). Last evaluated 2025-12-29.

Conditions:
Hereditary cancer-predisposing syndrome. Also called: Tumor predisposition; Hereditary Cancer Syndrome; Hereditary neoplastic syndrome; Neoplastic Syndromes, Hereditary. Identifiers: Orphanet 140162, MedGen C0027672, MeSH D009386, MONDO:0015356.
Ataxia-telangiectasia syndrome (AT). Also called: LOUIS-BAR SYNDROME; Cerebello-oculocutaneous telangiectasia; Immunodeficiency with ataxia telangiectasia; Ataxia-telangiectasia, complementation group D; AT, COMPLEMENTATION GROUP C; ATAXIA-TELANGIECTASIA, COMPLEMENTATION GROUP A. Identifiers: Orphanet 100, MedGen C0004135, MONDO:0008840, OMIM 208900.

Submissions (2):

Ambry Genetics
Classification: Uncertain significance for Hereditary cancer-predisposing syndrome. Last evaluated: 2025-12-29. Review status: criteria provided, single submitter. Criteria: Ambry Variant Classification Scheme 2023. Collection method: clinical testing. Allele origin: germline.

Labcorp Genetics (formerly Invitae), Labcorp
Classification: Uncertain significance for Ataxia-telangiectasia syndrome. Last evaluated: 2022-03-11. Review status: criteria provided, single submitter. Criteria: Invitae Variant Classification Sherloc (09022015). Collection method: clinical testing. Allele origin: germline.
Comment: This sequence change replaces tryptophan, which is neutral and slightly polar, with serine, which is neutral and polar, at codon 488 of the ATM protein (p.Trp488Ser). This variant is not present in population databases (gnomAD no frequency). This variant has not been reported in the literature in individuals affected with ATM-related conditions. Advanced modeling of protein sequence and biophysical properties (such as structural, functional, and spatial information, amino acid conservation, physicochemical variation, residue mobility, and thermodynamic stability) performed at Invitae indicates that this missense variant is not expected to disrupt ATM protein function. In summary, the available evidence is currently insufficient to determine the role of this variant in disease. Therefore, it has been classified as a Variant of Uncertain Significance.